The following is an entry in ClinVar:

ClinVar aggregate classification (germline): Uncertain significance. Review status: criteria provided, multiple submitters, no conflicts (2 of 4 stars). 2 submissions from 2 submitters: Uncertain significance (2). Last evaluated 2025-02-28.

Conditions:
Inborn genetic diseases. Identifiers: MedGen C0950123, MeSH D030342.
Acute myeloid leukemia (AML). Also called: Leukemia, acute myeloid, somatic; Leukemia, acute myelogenous, somatic; Acute myeloid leukemia, adult; AML adult; Acute non-lymphocytic leukemia; Acute granulocytic leukemia. Identifiers: Orphanet 519, MedGen C0023467, MeSH D015470, MONDO:0018874, OMIM 601626, HP:0004808. Disease mechanism: Constitutively activated FLT3.

Submissions (2):

Ambry Genetics
Classification: Uncertain significance for Inborn genetic diseases. Last evaluated: 2025-02-28. Review status: criteria provided, single submitter. Criteria: Ambry Variant Classification Scheme 2023. Collection method: clinical testing. Allele origin: germline.
Comment: The p.E163K variant (also known as c.487G>A), located in coding exon 1 of the CEBPA gene, results from a G to A substitution at nucleotide position 487. The glutamic acid at codon 163 is replaced by lysine, an amino acid with similar properties. This amino acid position is conserved. In addition, this alteration is predicted to be tolerated by in silico analysis. Based on the available evidence, the clinical significance of this variant remains unclear.

Labcorp Genetics (formerly Invitae), Labcorp
Classification: Uncertain significance for Acute myeloid leukemia. Last evaluated: 2021-05-19. Review status: criteria provided, single submitter. Criteria: Invitae Variant Classification Sherloc (09022015). Collection method: clinical testing. Allele origin: germline.
Comment: In summary, the available evidence is currently insufficient to determine the role of this variant in disease. Therefore, it has been classified as a Variant of Uncertain Significance. Algorithms developed to predict the effect of missense changes on protein structure and function are either unavailable or do not agree on the potential impact of this missense change (SIFT: "Deleterious"; PolyPhen-2: "Probably Damaging"; Align-GVGD: "Class C0"). This variant has not been reported in the literature in individuals with CEBPA-related conditions. The frequency data for this variant in the population databases is considered unreliable, as metrics indicate insufficient coverage at this position in the ExAC database. This sequence change replaces glutamic acid with lysine at codon 163 of the CEBPA protein (p.Glu163Lys). The glutamic acid residue is moderately conserved and there is a small physicochemical difference between glutamic acid and lysine.

NM_004364.5(CEBPA):c.487G>A (p.Glu163Lys)

Gene: CEBPA (CCAAT enhancer binding protein alpha; minus strand). Cytogenetic location: 19q13.11.
Variant type: single nucleotide variant.
Coding change: c.487G>A on transcript NM_004364.5 (MANE Select); coding-DNA position 487, G replaced by A.
Protein change: p.Glu163Lys; replaces glutamic acid 163 with lysine.
Molecular consequence: missense variant.
Genome position (GRCh38, 1-based): chr19:33,301,928, C>T on the plus strand (G>A on the coding strand, the complement: CEBPA is on the minus strand). VCF-style: chr19-33301928-C-T. GRCh37 (hg19) VCF-style: chr19-33792834-C-T.
Other names: c.130G>A, p.Glu44Lys (NM_001285829.2); c.592G>A, p.Glu198Lys (NM_001287424.2); c.445G>A, p.Glu149Lys (NM_001287435.2); c.487G>A (NM_004364.3); short protein forms E149K, E198K, E44K, E163K.
Identifiers: ClinVar variation 1355230 (VCV001355230.9), dbSNP rs1347514128, ClinGen allele CA405274852.
Genomic context (GRCh38, chr19:33,301,928, plus strand): 5'-GCTGGTAAGGGAAGAGGCCGGCCAGCGCCAGCTGCTTGGCTTCATCCTCCTCGCGGGGCT[C>T]CTGCTTGATCACCAGCGGCCGCAGCGCCGGCGCCCCGACGCGCTCGTACAGGGGCTCCAG-3'
Protein context (NP_004355.2, residues 153-173): PALRPLVIKQ[Glu163Lys]PREEDEAKQL